The following is an entry in ClinVar:

ClinVar aggregate classification (germline): Uncertain significance. Review status: criteria provided, multiple submitters, no conflicts (2 of 4 stars). 2 submissions from 2 submitters: Uncertain significance (2). Last evaluated 2025-09-04.

Conditions:
Hereditary cancer-predisposing syndrome. Also called: Tumor predisposition; Hereditary neoplastic syndrome; Neoplastic Syndromes, Hereditary; Hereditary Cancer Syndrome. Identifiers: Orphanet 140162, MedGen C0027672, MeSH D009386, MONDO:0015356.

Submissions (2):

Labcorp Genetics (formerly Invitae), Labcorp
Classification: Uncertain significance. Last evaluated: 2025-09-04. Review status: criteria provided, single submitter. Criteria: Invitae Variant Classification Sherloc (09022015). Collection method: clinical testing. Allele origin: germline.
Comment: This sequence change replaces arginine, which is basic and polar, with proline, which is neutral and non-polar, at codon 155 of the NTHL1 protein (p.Arg155Pro). This variant is not present in population databases (gnomAD no frequency). This variant has not been reported in the literature in individuals affected with NTHL1-related conditions. ClinVar contains an entry for this variant (Variation ID: 951140). An algorithm developed to predict the effect of missense changes on protein structure and function (PolyPhen-2) suggests that this variant is likely to be disruptive. In summary, the available evidence is currently insufficient to determine the role of this variant in disease. Therefore, it has been classified as a Variant of Uncertain Significance.

Ambry Genetics
Classification: Uncertain significance for Hereditary cancer-predisposing syndrome. Last evaluated: 2024-06-23. Review status: criteria provided, single submitter. Criteria: Ambry Variant Classification Scheme 2023. Collection method: clinical testing. Allele origin: germline.
Comment: The p.R155P variant (also known as c.464G>C), located in coding exon 3 of the NTHL1 gene, results from a G to C substitution at nucleotide position 464. The arginine at codon 155 is replaced by proline, an amino acid with dissimilar properties. This amino acid position is conserved. In addition, this alteration is predicted to be deleterious by in silico analysis. Since supporting evidence is limited at this time, the clinical significance of this alteration remains unclear.

NM_002528.7(NTHL1):c.440G>C (p.Arg147Pro)

Gene: NTHL1 (nth like DNA glycosylase 1; minus strand). Cytogenetic location: 16p13.3.
Variant type: single nucleotide variant.
Coding change: c.440G>C on transcript NM_002528.7 (MANE Select); coding-DNA position 440, G replaced by C.
Protein change: p.Arg147Pro; replaces arginine 147 with proline.
Molecular consequence: missense variant. On other transcripts: intron variant (1).
Genome position (GRCh38, 1-based): chr16:2,044,715, C>G on the plus strand (G>C on the coding strand, the complement: NTHL1 is on the minus strand). VCF-style: chr16-2044715-C-G. GRCh37 (hg19) VCF-style: chr16-2094716-C-G.
Other names: c.110G>C, p.Arg37Pro (NM_001318194.2); c.355-989G>C (NM_001318193.2); short protein forms R147P, R37P.
Identifiers: ClinVar variation 951140 (VCV000951140.11), dbSNP rs1431434201, ClinGen allele CA394294325.